The following is an entry in ClinVar:

NM_000038.6(APC):c.3911T>G (p.Ile1304Arg)

Gene: APC (APC regulator of Wnt signaling pathway; plus strand). Cytogenetic location: 5q22.2.
Variant type: single nucleotide variant.
Coding change: c.3911T>G on transcript NM_000038.6 (MANE Select); coding-DNA position 3911, T replaced by G.
Protein change: p.Ile1304Arg; replaces isoleucine 1304 with arginine.
Molecular consequence: missense variant.
Genome position (GRCh38, 1-based): chr5:112,839,505, T>G. VCF-style: chr5-112839505-T-G. GRCh37 (hg19) VCF-style: chr5-112175202-T-G.
Other names: c.3911T>G, p.Ile1304Arg (NM_001127510.3, NM_001354895.2, NM_001407450.1); c.3857T>G, p.Ile1286Arg (NM_001127511.3); c.3965T>G, p.Ile1322Arg (NM_001354896.2, NM_001407447.1, NM_001407448.1 and 1 more transcripts); c.3941T>G, p.Ile1314Arg (NM_001354897.2); c.3836T>G, p.Ile1279Arg (NM_001354898.2); c.3827T>G, p.Ile1276Arg (NM_001354899.2); c.3788T>G, p.Ile1263Arg (NM_001354900.2); c.3734T>G, p.Ile1245Arg (NM_001354901.2, NM_001407453.1); and 11 more; short protein forms I1021R, I1276R, I1178R, I1144R, I1245R, I1279R, I1286R, I1297R.
Identifiers: ClinVar variation 2073075 (VCV002073075.4), dbSNP rs1561588370, ClinGen allele CA16029915.

ClinVar aggregate classification (germline): Uncertain significance (1 of 4 stars; one submission).

Conditions:
Familial adenomatous polyposis 1 (FAP1). Also called: FAMILIAL ADENOMATOUS POLYPOSIS 1, ATTENUATED; POLYPOSIS, ADENOMATOUS INTESTINAL. Identifiers: MedGen C2713442, MONDO:0021056, OMIM 175100. Disease mechanism: loss of function.

Submission:

Labcorp Genetics (formerly Invitae), Labcorp
Classification: Uncertain significance for Familial adenomatous polyposis 1. Last evaluated: 2022-01-03. Review status: criteria provided, single submitter. Criteria: Invitae Variant Classification Sherloc (09022015). Collection method: clinical testing. Allele origin: germline.
Comment: In summary, the available evidence is currently insufficient to determine the role of this variant in disease. Therefore, it has been classified as a Variant of Uncertain Significance. Algorithms developed to predict the effect of sequence changes on RNA splicing suggest that this variant may create or strengthen a splice site. Algorithms developed to predict the effect of missense changes on protein structure and function output the following: SIFT: "Tolerated"; PolyPhen-2: "Benign"; Align-GVGD: "Class C0". The arginine amino acid residue is found in multiple mammalian species, which suggests that this missense change does not adversely affect protein function. This variant has not been reported in the literature in individuals affected with APC-related conditions. This variant is not present in population databases (gnomAD no frequency). This sequence change replaces isoleucine, which is neutral and non-polar, with arginine, which is basic and polar, at codon 1304 of the APC protein (p.Ile1304Arg).